The following is an entry in ClinVar:

ClinVar aggregate classification (germline): Uncertain significance (1 of 4 stars; one submission).

Conditions:
Cardiovascular phenotype. Identifiers: MedGen CN230736.

Submission:

Ambry Genetics
Classification: Uncertain significance for Cardiovascular phenotype. Last evaluated: 2024-08-12. Review status: criteria provided, single submitter. Criteria: Ambry Variant Classification Scheme 2023. Collection method: clinical testing. Allele origin: germline.
Comment: The p.T2410I variant (also known as c.7229C>T), located in coding exon 8 of the ALMS1 gene, results from a C to T substitution at nucleotide position 7229. The threonine at codon 2410 is replaced by isoleucine, an amino acid with similar properties. This amino acid position is well conserved in available vertebrate species. In addition, the in silico prediction for this alteration is inconclusive. Based on the available evidence, the clinical significance of this variant remains unclear.

NM_001378454.1(ALMS1):c.7226C>T (p.Thr2409Ile)

Gene: ALMS1 (ALMS1 centrosome and basal body associated protein; plus strand). Cytogenetic location: 2p13.1.
Variant type: single nucleotide variant.
Coding change: c.7226C>T on transcript NM_001378454.1 (MANE Select); coding-DNA position 7226, C replaced by T.
Protein change: p.Thr2409Ile; replaces threonine 2409 with isoleucine.
Molecular consequence: missense variant.
Genome position (GRCh38, 1-based): chr2:73,453,753, C>T. VCF-style: chr2-73453753-C-T. GRCh37 (hg19) VCF-style: chr2-73680880-C-T.
Other names: c.7229C>T, p.Thr2410Ile (NM_015120.4); short protein forms T2410I, T2409I.
Identifiers: ClinVar variation 3526899 (VCV003526899.1).